The following is an entry in ClinVar:

ClinVar aggregate classification (germline): Uncertain significance (1 of 4 stars; one submission).

Conditions:
Inborn genetic diseases. Identifiers: MedGen C0950123, MeSH D030342.

Submission:

Ambry Genetics
Classification: Uncertain significance for Inborn genetic diseases. Last evaluated: 2025-11-11. Review status: criteria provided, single submitter. Criteria: Ambry Variant Classification Scheme 2023. Collection method: clinical testing. Allele origin: germline.
Comment: The p.S663I variant (also known as c.1988G>T), located in coding exon 13 of the ASXL1 gene, results from a G to T substitution at nucleotide position 1988. The serine at codon 663 is replaced by isoleucine, an amino acid with dissimilar properties. This amino acid position is conserved. In addition, this alteration is predicted to be tolerated by in silico analysis. Based on the available evidence, the clinical significance of this variant remains unclear.

NM_015338.6(ASXL1):c.1988G>T (p.Ser663Ile)

Gene: ASXL1 (ASXL transcriptional regulator 1; plus strand). Cytogenetic location: 20q11.21.
Variant type: single nucleotide variant.
Coding change: c.1988G>T on transcript NM_015338.6 (MANE Select); coding-DNA position 1988, G replaced by T.
Protein change: p.Ser663Ile; replaces serine 663 with isoleucine.
Molecular consequence: missense variant.
Genome position (GRCh38, 1-based): chr20:32,434,700, G>T. VCF-style: chr20-32434700-G-T. GRCh37 (hg19) VCF-style: chr20-31022503-G-T.
Other names: c.1805G>T, p.Ser602Ile (NM_001363734.1); short protein forms S663I, S602I.
Identifiers: ClinVar variation 4588527 (VCV004588527.1).
Genomic context (GRCh38, chr20:32,434,700, plus strand): 5'-GGGGGGGTGGCCCGGGTGGAGGTGGCGGCGGGGCCACCGATGAGGGAGGTGGCAGAGGCA[G>T]CAGCAGTGGTGATGGTGGTGAGGCCTGTGGCCACCCTGAGCCCAGGGGAGGCCCGAGCAC-3'
Protein context (NP_056153.2, residues 653-673): GATDEGGGRG[Ser663Ile]SSGDGGEACG